The following is an entry in ClinVar:

NM_002979.5(SCP2):c.1387G>A (p.Val463Met)

Gene: SCP2 (sterol carrier protein 2; plus strand). Cytogenetic location: 1p32.3.
Variant type: single nucleotide variant.
Coding change: c.1387G>A on transcript NM_002979.5 (MANE Select); coding-DNA position 1387, G replaced by A.
Protein change: p.Val463Met; replaces valine 463 with methionine.
Molecular consequence: missense variant. On other transcripts: intron variant (1).
Genome position (GRCh38, 1-based): chr1:53,038,965, G>A. VCF-style: chr1-53038965-G-A. GRCh37 (hg19) VCF-style: chr1-53504637-G-A.
Other names: c.175G>A, p.Val59Met (NM_001007099.3); c.166G>A, p.Val56Met (NM_001007100.3); c.1315G>A, p.Val439Met (NM_001193599.2); c.1255G>A, p.Val419Met (NM_001193600.2); c.1144G>A, p.Val382Met (NM_001193617.2); c.127-8893G>A (NM_001007250.3); c.1387G>A (NM_002979.4); short protein forms V382M, V463M, V56M, V59M, V419M, V439M.
Identifiers: ClinVar variation 1369109 (VCV001369109.6), dbSNP rs745398205, ClinGen allele CA857405.

ClinVar aggregate classification (germline): Uncertain significance. Review status: criteria provided, multiple submitters, no conflicts (2 of 4 stars). 2 submissions from 2 submitters: Uncertain significance (2). Last evaluated 2023-05-15.

Allele frequency attached by ClinVar (database versions not stated): ExAC 0.00001; gnomAD exomes 0.00001.
gnomAD v4.1: 11 of 1,614,134 alleles (0.00068%); highest among the groups gnomAD compares: Middle Eastern, 0.016%; no homozygotes.

Submissions (2):

Ambry Genetics
Classification: Uncertain significance. Last evaluated: 2023-05-15. Review status: criteria provided, single submitter. Criteria: Ambry Variant Classification Scheme 2023. Collection method: clinical testing. Allele origin: germline.

Labcorp Genetics (formerly Invitae), Labcorp
Classification: Uncertain significance. Last evaluated: 2021-09-01. Review status: criteria provided, single submitter. Criteria: Invitae Variant Classification Sherloc (09022015). Collection method: clinical testing. Allele origin: germline.
Comment: This sequence change replaces valine with methionine at codon 463 of the SCP2 protein (p.Val463Met). The valine residue is highly conserved and there is a small physicochemical difference between valine and methionine. This variant is present in population databases (rs745398205, ExAC 0.001%). This variant has not been reported in the literature in individuals affected with SCP2-related conditions. Algorithms developed to predict the effect of missense changes on protein structure and function are either unavailable or do not agree on the potential impact of this missense change (SIFT: "Deleterious"; PolyPhen-2: "Probably Damaging"; Align-GVGD: "Class C0"). In summary, the available evidence is currently insufficient to determine the role of this variant in disease. Therefore, it has been classified as a Variant of Uncertain Significance.